The following is an entry in ClinVar:

NM_001040142.2(SCN2A):c.921C>G (p.Phe307Leu)

Gene: SCN2A (sodium voltage-gated channel alpha subunit 2; plus strand). Cytogenetic location: 2q24.3.
Variant type: single nucleotide variant.
Coding change: c.921C>G on transcript NM_001040142.2 (MANE Select); coding-DNA position 921, C replaced by G.
Protein change: p.Phe307Leu; replaces phenylalanine 307 with leucine.
Molecular consequence: missense variant.
Genome position (GRCh38, 1-based): chr2:165,310,546, C>G. VCF-style: chr2-165310546-C-G. GRCh37 (hg19) VCF-style: chr2-166167056-C-G.
Other names: c.921C>G, p.Phe307Leu (NM_001040143.2, NM_001371246.1, NM_001371247.1 and 1 more transcripts); short protein forms F307L.
Identifiers: ClinVar variation 449583 (VCV000449583.10), dbSNP rs1553568092, ClinGen allele CA349018612.

ClinVar aggregate classification (germline): Conflicting classifications of pathogenicity. Review status: criteria provided, conflicting classifications (1 of 4 stars). 2 submissions from 2 submitters: Uncertain significance (1); Likely benign (1). Last evaluated 2022-08-23.

Conditions:
Developmental and epileptic encephalopathy, 11 (DEE11). Also called: Early infantile epileptic encephalopathy 11. Identifiers: Orphanet 1934, MedGen C3150987, MONDO:0013388, OMIM 613721.
Seizures, benign familial infantile, 3 (BFIS3). Also called: CONVULSIONS, BENIGN FAMILIAL INFANTILE, 3; Familial neonatal seizures. Identifiers: Orphanet 140927, Orphanet 306, MedGen C1843140, MONDO:0011904, OMIM 607745.

Submissions (2):

Labcorp Genetics (formerly Invitae), Labcorp
Classification: Uncertain significance for Seizures, benign familial infantile, 3; Developmental and epileptic encephalopathy, 11. Last evaluated: 2022-08-23. Review status: criteria provided, single submitter. Criteria: Invitae Variant Classification Sherloc (09022015). Collection method: clinical testing. Allele origin: germline.
Comment: This variant has not been reported in the literature in individuals affected with SCN2A-related conditions. In summary, the available evidence is currently insufficient to determine the role of this variant in disease. Therefore, it has been classified as a Variant of Uncertain Significance. Algorithms developed to predict the effect of missense changes on protein structure and function are either unavailable or do not agree on the potential impact of this missense change (SIFT: "Deleterious"; PolyPhen-2: "Benign"; Align-GVGD: "Class C0"). ClinVar contains an entry for this variant (Variation ID: 449583). This variant is not present in population databases (gnomAD no frequency). This sequence change replaces phenylalanine, which is neutral and non-polar, with leucine, which is neutral and non-polar, at codon 307 of the SCN2A protein (p.Phe307Leu).

GeneDx
Classification: Likely benign. Last evaluated: 2020-02-18. Review status: criteria provided, single submitter. Criteria: GeneDx Variant Classification Process June 2021. Collection method: clinical testing. Allele origin: germline. Affected: yes.
Comment: Not observed in large population cohorts (Lek et al., 2016); Missense variants in this gene are often considered pathogenic (Stenson et al., 2014); In silico analysis supports that this missense variant does not alter protein structure/function; Has not been previously published as pathogenic or benign to our knowledge